The following is an entry in ClinVar:

ClinVar aggregate classification (germline): Uncertain significance (1 of 4 stars; one submission).

Submission:

Labcorp Genetics (formerly Invitae), Labcorp
Classification: Uncertain significance. Last evaluated: 2022-03-23. Review status: criteria provided, single submitter. Criteria: Invitae Variant Classification Sherloc (09022015). Collection method: clinical testing. Allele origin: germline.
Comment: This variant is not present in population databases (gnomAD no frequency). In summary, the available evidence is currently insufficient to determine the role of this variant in disease. Therefore, it has been classified as a Variant of Uncertain Significance. Algorithms developed to predict the effect of missense changes on protein structure and function are either unavailable or do not agree on the potential impact of this missense change (SIFT: "Deleterious"; PolyPhen-2: "Not Available"; Align-GVGD: "Class C0"). This variant has not been reported in the literature in individuals affected with CDH23-related conditions. This sequence change replaces phenylalanine, which is neutral and non-polar, with valine, which is neutral and non-polar, at codon 3173 of the CDH23 protein (p.Phe3173Val).

NM_022124.6(CDH23):c.9517T>G (p.Phe3173Val)

Gene: CDH23 (cadherin related 23; plus strand). Cytogenetic location: 10q22.1.
Variant type: single nucleotide variant.
Coding change: c.9517T>G on transcript NM_022124.6 (MANE Select); coding-DNA position 9517, T replaced by G.
Protein change: p.Phe3173Val; replaces phenylalanine 3173 with valine.
Molecular consequence: missense variant.
Genome position (GRCh38, 1-based): chr10:71,812,774, T>G. VCF-style: chr10-71812774-T-G. GRCh37 (hg19) VCF-style: chr10-73572531-T-G.
Other names: c.2797T>G, p.Phe933Val (NM_001171933.1, NM_001171934.1); c.208T>G, p.Phe70Val (NM_001171935.1, NM_001171936.1); short protein forms F933V, F3173V, F70V.
Identifiers: ClinVar variation 1420521 (VCV001420521.6), dbSNP rs2133007909, ClinGen allele CA377136944.